The following is an entry in ClinVar:

ClinVar aggregate classification (germline): Uncertain significance (1 of 4 stars; one submission).

Conditions:
Progressive sclerosing poliodystrophy (MTDPS4A). Also called: ALPERS PROGRESSIVE INFANTILE POLIODYSTROPHY; NEURONAL DEGENERATION OF CHILDHOOD WITH LIVER DISEASE, PROGRESSIVE; Alpers Syndrome; ALPERS DIFFUSE DEGENERATION OF CEREBRAL GRAY MATTER WITH HEPATIC CIRRHOSIS; Alpers-Huttenlocher Syndrome; Mitochondrial DNA Depletion Syndrome 4A. Identifiers: Orphanet 726, MedGen C0205710, MONDO:0008758, OMIM 203700.

Allele frequency attached by ClinVar (database versions not stated): TOPMed below 0.00001.
gnomAD v4.1: 1 of 1,614,126 alleles (0.000062%); no homozygotes.

Submission:

Labcorp Genetics (formerly Invitae), Labcorp
Classification: Uncertain significance for Progressive sclerosing poliodystrophy. Last evaluated: 2024-04-22. Review status: criteria provided, single submitter. Criteria: Invitae Variant Classification Sherloc (09022015). Collection method: clinical testing. Allele origin: germline.
Comment: This sequence change replaces glycine, which is neutral and non-polar, with valine, which is neutral and non-polar, at codon 871 of the POLG protein (p.Gly871Val). This variant is present in population databases (no rsID available, gnomAD 0.0009%). This variant has not been reported in the literature in individuals affected with POLG-related conditions. Advanced modeling of protein sequence and biophysical properties (such as structural, functional, and spatial information, amino acid conservation, physicochemical variation, residue mobility, and thermodynamic stability) performed at Invitae indicates that this missense variant is expected to disrupt POLG protein function with a positive predictive value of 95%. In summary, the available evidence is currently insufficient to determine the role of this variant in disease. Therefore, it has been classified as a Variant of Uncertain Significance.

NM_002693.3(POLG):c.2612G>T (p.Gly871Val)

Gene: POLG (DNA polymerase gamma, catalytic subunit; minus strand). Cytogenetic location: 15q26.1.
Variant type: single nucleotide variant.
Coding change: c.2612G>T on transcript NM_002693.3 (MANE Select); coding-DNA position 2612, G replaced by T.
Protein change: p.Gly871Val; replaces glycine 871 with valine.
Molecular consequence: missense variant.
Genome position (GRCh38, 1-based): chr15:89,321,247, C>A on the plus strand (G>T on the coding strand, the complement: POLG is on the minus strand). VCF-style: chr15-89321247-C-A. GRCh37 (hg19) VCF-style: chr15-89864478-C-A.
Other names: c.2612G>T, p.Gly871Val (NM_001126131.2); short protein forms G871V.
Identifiers: ClinVar variation 2809574 (VCV002809574.3), dbSNP rs1045150145, ClinGen allele CA274546564.